The following is an entry in ClinVar:

ClinVar aggregate classification (germline): Likely pathogenic (0 of 4 stars; one submission).

Conditions:
Neurodevelopmental disorder with central and peripheral motor dysfunction. Identifiers: MedGen C5193049, MONDO:0032698, OMIM 618356.

Allele frequency attached by ClinVar (database versions not stated): ExAC 0.00001; gnomAD exomes 0.00001.
gnomAD v4.1: 2 of 1,613,976 alleles (0.00012%); highest among the groups gnomAD compares: Admixed American, 0.0033%; no homozygotes.

Submission:

Clinical Genomics Laboratory, Stanford Medicine
Classification: Likely pathogenic for Neurodevelopmental disorder with central and peripheral motor dysfunction. Last evaluated: 2019-08-08. Review status: no assertion criteria provided. Collection method: clinical testing. Allele origin: germline. Inheritance: Autosomal recessive inheritance. Affected: yes.
Comment: The p.Gln878* variant in the NFASC gene has not been previously reported in association with disease. This variant has been identified in 3/34,498 Latino chromosomes by the Genome Aggregation Database.The p.Gln878* variant leads to a premature termination in exon 22 of 27 coding exons, and is therefore predicted to undergo nonsense-mediated decay resulting in a truncated or absent protein. Loss of function is an established mechanism of disease for the NFASC gene. These data were assessed using the ACMG/AMP variant interpretation guidelines. In summary, there is sufficient evidence to classify the p.Gln878* variant as likely pathogenic for NFASC-associated neurodevelopmental disorder with central and peripheral motor dysfunction autosomal recessive manner based on the information above. [ACMG evidence codes used: PVS1_Strong; PM2]

NM_001160331.2(NFASC):c.2677C>T (p.Gln893Ter)

Gene: NFASC (neurofascin; plus strand). Cytogenetic location: 1q32.1.
Variant type: single nucleotide variant.
Coding change: c.2677C>T on transcript NM_001160331.2 (MANE Plus Clinical); coding-DNA position 2677, C replaced by T.
Protein change: p.Gln893Ter; replaces glutamine 893 with a stop codon.
Molecular consequence: nonsense. On other transcripts: intron variant (2).
Genome position (GRCh38, 1-based): chr1:204,985,967, C>T. VCF-style: chr1-204985967-C-T. GRCh37 (hg19) VCF-style: chr1-204955095-C-T.
Other names: c.2632C>T, p.Gln878Ter (NM_001160332.2, NM_015090.4); c.2644C>T, p.Gln882Ter (NM_001378329.1); c.2471-1451C>T (NM_001005388.3); c.2459-1451C>T (NM_001365986.1); short protein forms Q878*, Q882*, Q893*.
Identifiers: ClinVar variation 976448 (VCV000976448.1), dbSNP rs765387808, ClinGen allele CA1350335.
Genomic context (GRCh38, chr1:204,985,967, plus strand): 5'-AAGGCCTACTACTGGAGGGAGAGCAGCTTGCTGAAGAACCTGTGGGTGTCTCAGAAGAGA[C>T]AGCAAGCCAGCTTCCCTGGTGACCGCCTCCGTGGCGTGGTGTCCCGCCTCTTCCCCTACA-3'